The following is an entry in ClinVar:

NM_012210.4(TRIM32):c.551T>C (p.Val184Ala)

Genes: ASTN2 (astrotactin 2; minus strand), TRIM32 (tripartite motif containing 32; plus strand). Cytogenetic location: 9q33.1.
Variant type: single nucleotide variant.
Coding change: c.551T>C on transcript NM_012210.4 (MANE Select); coding-DNA position 551, T replaced by C.
Protein change: p.Val184Ala; replaces valine 184 with alanine.
Molecular consequence: missense variant. On other transcripts: intron variant (3).
Genome position (GRCh38, 1-based): chr9:116,698,293, T>C. VCF-style: chr9-116698293-T-C. GRCh37 (hg19) VCF-style: chr9-119460572-T-C.
Other names: c.551T>C, p.Val184Ala (NM_001099679.2, NM_001379048.1, NM_001379049.1 and 1 more transcripts); c.2653+27478A>G (NM_014010.5); c.2794+27478A>G (NM_001365069.1); c.2806+27478A>G (NM_001365068.1); short protein forms V184A.
Identifiers: ClinVar variation 4633559 (VCV004633559.2).

ClinVar aggregate classification (germline): Uncertain significance. Review status: criteria provided, multiple submitters, no conflicts (2 of 4 stars). 2 submissions from 2 submitters: Uncertain significance (2). Last evaluated 2025-11-11.

Conditions:
TRIM32-related disorder. Also called: TRIM32-related condition.
Inborn genetic diseases. Identifiers: MedGen C0950123, MeSH D030342.

gnomAD v4.1: 4 of 1,614,046 alleles (0.00025%); highest among the groups gnomAD compares: Non-Finnish European, 0.00034%; no homozygotes.

Submissions (2):

Ambry Genetics
Classification: Uncertain significance for Inborn genetic diseases. Last evaluated: 2025-11-11. Review status: criteria provided, single submitter. Criteria: Ambry Variant Classification Scheme 2023. Collection method: clinical testing. Allele origin: germline.

PreventionGenetics, part of Exact Sciences
Classification: Uncertain significance for TRIM32-related condition. Last evaluated: 2024-12-19. Review status: criteria provided, single submitter. Criteria: ACMG Guidelines, 2015. Collection method: clinical testing. Allele origin: germline.
Comment: The TRIM32 c.551T>C variant is predicted to result in the amino acid substitution p.Val184Ala. To our knowledge, this variant has not been reported in the literature. This variant is reported in 0.0023% of alleles in individuals of European (Non-Finnish) descent in gnomAD. At this time, the clinical significance of this variant is uncertain due to the absence of conclusive functional and genetic evidence.